The following is an entry in ClinVar:

ClinVar aggregate classification (germline): Uncertain significance (1 of 4 stars; one submission).

Conditions:
Hereditary cancer-predisposing syndrome. Also called: Neoplastic Syndromes, Hereditary; Tumor predisposition; Hereditary Cancer Syndrome; Hereditary neoplastic syndrome. Identifiers: Orphanet 140162, MedGen C0027672, MeSH D009386, MONDO:0015356.

Submission:

Ambry Genetics
Classification: Uncertain significance for Hereditary cancer-predisposing syndrome. Last evaluated: 2022-03-01. Review status: criteria provided, single submitter. Criteria: Ambry Variant Classification Scheme 2023. Collection method: clinical testing. Allele origin: germline.
Comment: The p.P542T variant (also known as c.1624C>A), located in coding exon 12 of the POLD1 gene, results from a C to A substitution at nucleotide position 1624. The proline at codon 542 is replaced by threonine, an amino acid with highly similar properties. This amino acid position is conserved. In addition, the in silico prediction for this alteration is inconclusive. Since supporting evidence is limited at this time, the clinical significance of this alteration remains unclear.

NM_002691.4(POLD1):c.1624C>A (p.Pro542Thr)

Gene: POLD1 (DNA polymerase delta 1, catalytic subunit; plus strand). Cytogenetic location: 19q13.33.
Variant type: single nucleotide variant.
Coding change: c.1624C>A on transcript NM_002691.4 (MANE Select); coding-DNA position 1624, C replaced by A.
Protein change: p.Pro542Thr; replaces proline 542 with threonine.
Molecular consequence: missense variant. On other transcripts: non-coding transcript variant (1).
Genome position (GRCh38, 1-based): chr19:50,407,112, C>A. VCF-style: chr19-50407112-C-A. GRCh37 (hg19) VCF-style: chr19-50910369-C-A.
Other names: c.1624C>A, p.Pro542Thr (NM_001256849.1, NM_001308632.1); short protein forms P542T.
Identifiers: ClinVar variation 1776660 (VCV001776660.2), dbSNP rs2514000609, ClinGen allele CA406980994.